The following is an entry in ClinVar:

NM_052947.4(ALPK2):c.4903C>A (p.Leu1635Ile)

Gene: ALPK2 (alpha kinase 2; minus strand). Cytogenetic location: 18q21.31.
Variant type: single nucleotide variant.
Coding change: c.4903C>A on transcript NM_052947.4 (MANE Select); coding-DNA position 4903, C replaced by A.
Protein change: p.Leu1635Ile; replaces leucine 1635 with isoleucine.
Molecular consequence: missense variant.
Genome position (GRCh38, 1-based): chr18:58,535,284, G>T on the plus strand (C>A on the coding strand, the complement: ALPK2 is on the minus strand). VCF-style: chr18-58535284-G-T. GRCh37 (hg19) VCF-style: chr18-56202516-G-T.
Other names: short protein forms L1635I.
Identifiers: ClinVar variation 1744001 (VCV001744001.2), dbSNP rs2518873854, ClinGen allele CA402559297.

ClinVar aggregate classification (germline): Uncertain significance (1 of 4 stars; one submission).

Submission:

Ambry Genetics
Classification: Uncertain significance. Last evaluated: 2022-03-08. Review status: criteria provided, single submitter. Criteria: Ambry Variant Classification Scheme 2023. Collection method: clinical testing. Allele origin: germline.
Comment: The p.L1635I variant (also known as c.4903C>A), located in coding exon 4 of the ALPK2 gene, results from a C to A substitution at nucleotide position 4903. The leucine at codon 1635 is replaced by isoleucine, an amino acid with highly similar properties. This amino acid position is conserved. In addition, this alteration is predicted to be tolerated by in silico analysis. Since supporting evidence is limited at this time, the clinical significance of this alteration remains unclear.